The following is an entry in ClinVar:

ClinVar aggregate classification (germline): Uncertain significance (1 of 4 stars; one submission).

gnomAD v4.1: 1 of 1,568,812 alleles (0.000064%); highest among the groups gnomAD compares: Admixed American, 0.0018%; no homozygotes.

Submission:

Dasa
Classification: Uncertain significance. Last evaluated: 2025-09-29. Review status: criteria provided, single submitter. Criteria: DASA Assertion Criteria. Collection method: clinical testing. Allele origin: germline.
Comment: NM_004453.4(ETFDH):c.832-2A>G affects a canonical splice site and is predicted to disrupt normal RNA splicing. This variant is rare in population databases. The currently available literature and clinical evidence are not sufficient to establish a definitive association between this variant and the reported condition. Therefore, this variant is classified as a variant of uncertain significance.

NM_004453.4(ETFDH):c.832-2A>G

Gene: ETFDH (electron transfer flavoprotein dehydrogenase; plus strand). Cytogenetic location: 4q32.1.
Variant type: single nucleotide variant.
Coding change: c.832-2A>G on transcript NM_004453.4 (MANE Select); the canonical splice acceptor site of the intron before coding-DNA position 832, A replaced by G.
Molecular consequence: splice acceptor variant.
Genome position (GRCh38, 1-based): chr4:158,697,557, A>G. VCF-style: chr4-158697557-A-G. GRCh37 (hg19) VCF-style: chr4-159618709-A-G.
Other names: c.691-2A>G (NM_001281737.2); c.649-2A>G (NM_001281738.1).
Identifiers: ClinVar variation 4886679 (VCV004886679.2).